The following is an entry in ClinVar:

ClinVar aggregate classification (germline): Likely benign (0 of 4 stars; one submission).

Conditions:
CSMD1-related disorder. Also called: CSMD1-related condition.

Allele frequency attached by ClinVar (database versions not stated): ExAC 0.00001; gnomAD 0.00001; gnomAD exomes 0.00001; TOPMed 0.00002; ESP Exome Variant Server 0.00008.
gnomAD v4.1: 11 of 1,611,170 alleles (0.00068%); highest among the groups gnomAD compares: African/African-American, 0.004%; no homozygotes.

Submission:

PreventionGenetics, part of Exact Sciences
Classification: Likely benign for CSMD1-related condition. Last evaluated: 2024-01-08. Review status: no assertion criteria provided. Collection method: clinical testing. Allele origin: germline.
Comment: This variant is classified as likely benign based on ACMG/AMP sequence variant interpretation guidelines (Richards et al. 2015 PMID: 25741868, with internal and published modifications).

NM_033225.6(CSMD1):c.7749A>G (p.Gln2583=)

Gene: CSMD1 (CUB and Sushi multiple domains 1; minus strand). Cytogenetic location: 8p23.2.
Variant type: single nucleotide variant.
Coding change: c.7749A>G on transcript NM_033225.6 (MANE Select); coding-DNA position 7749, A replaced by G.
Protein change: p.Gln2583=; no amino-acid change (glutamine 2583 retained).
Molecular consequence: synonymous variant.
Genome position (GRCh38, 1-based): chr8:3,029,425, T>C on the plus strand (A>G on the coding strand, the complement: CSMD1 is on the minus strand). VCF-style: chr8-3029425-T-C. GRCh37 (hg19) VCF-style: chr8-2886947-T-C.
Identifiers: ClinVar variation 3032692 (VCV003032692.2), dbSNP rs372256290, ClinGen allele CA4605877.